The following is an entry in ClinVar:

ClinVar aggregate classification (germline): Pathogenic (1 of 4 stars; one submission).

Submission:

GeneDx
Classification: Pathogenic. Last evaluated: 2017-05-18. Review status: criteria provided, single submitter. Criteria: GeneDx Variant Classification (06012015). Collection method: clinical testing. Allele origin: germline. Affected: yes.
Comment: The c.1469_1488dup20 variant in the ARID1B gene has not been reported previously as a pathogenic variant nor as a benign variant, to our knowledge. The c.1469_1488dup20 variant causes a frameshift starting with codon Serine 497, changes this amino acid to a Glycine residue, and creates a premature Stop codon at position 12 of the new reading frame, denoted p.Ser497GlyfsX12. This variant is predicted to cause loss of normal protein function either through protein truncation or nonsense-mediated mRNA decay. The c.1469_1488dup20 variant is not observed in large population cohorts (Lek et al., 2016; 1000 Genomes Consortium et al., 2015; Exome Variant Server).

NM_001374828.1(ARID1B):c.1718_1737dup (p.Ser580fs)

Gene: ARID1B (AT-rich interaction domain 1B; plus strand). Cytogenetic location: 6q25.3.
Variant type: Duplication.
Coding change: c.1718_1737dup on transcript NM_001374828.1 (MANE Select); coding-DNA positions 1718 to 1737, 20 bases duplicated (GGGCGGCCGCGCAACAAAGG).
Protein change: p.Ser580fs; shifts the reading frame from serine 580.
Molecular consequence: frameshift variant.
Genome position (GRCh38, 1-based): chr6:156,779,398-156,779,417, GGGCGGCCGCGCAACAAAGG duplicated. VCF-style (leftmost placement, unchanged base first): chr6-156779397-T-TGGGCGGCCGCGCAACAAAGG. GRCh37 (hg19) VCF-style: chr6-157100531-T-TGGGCGGCCGCGCAACAAAGG.
Other names: c.1469_1488dupGGGCGGCCGCGCAACAAAGG (NM_020732.3); c.1718_1737dup, p.Ser580fs (NM_001371656.1, NM_001374820.1, NM_017519.3); short protein forms S580fs.
Identifiers: ClinVar variation 430106 (VCV000430106.2), dbSNP rs1554248228, ClinGen allele CA645369398.